The following is an entry in ClinVar:

ClinVar aggregate classification (germline): Likely benign (0 of 4 stars; one submission).

Conditions:
NBAS-related disorder. Also called: NBAS-related condition.

gnomAD v4.1: 1 of 1,612,736 alleles (0.000062%); highest among the groups gnomAD compares: Non-Finnish European, 0.000085%; no homozygotes.

Submission:

PreventionGenetics, part of Exact Sciences
Classification: Likely benign for NBAS-related condition. Last evaluated: 2020-02-17. Review status: no assertion criteria provided. Collection method: clinical testing. Allele origin: germline.
Comment: This variant is classified as likely benign based on ACMG/AMP sequence variant interpretation guidelines (Richards et al. 2015 PMID: 25741868, with internal and published modifications).

NM_015909.4(NBAS):c.6G>C (p.Ala2=)

Genes: NBAS (NBAS subunit of NRZ tethering complex; minus strand), LOC129933155 (ATAC-STARR-seq lymphoblastoid active region 15346; plus strand). Cytogenetic location: 2p24.3.
Variant type: single nucleotide variant.
Coding change: c.6G>C on transcript NM_015909.4 (MANE Select); coding-DNA position 6, G replaced by C.
Protein change: p.Ala2=; no amino-acid change (alanine 2 retained).
Molecular consequence: synonymous variant. On other transcripts: non-coding transcript variant (1).
Genome position (GRCh38, 1-based): chr2:15,561,299, C>G on the plus strand (G>C on the coding strand, the complement: NBAS is on the minus strand). VCF-style: chr2-15561299-C-G. GRCh37 (hg19) VCF-style: chr2-15701423-C-G.
Identifiers: ClinVar variation 3034229 (VCV003034229.2), dbSNP rs2528057289, ClinGen allele CA424872000.